The following is an entry in ClinVar:

NM_006642.5(SDCCAG8):c.1324dup (p.Gln442fs)

Gene: SDCCAG8 (SHH signaling and ciliogenesis regulator SDCCAG8; plus strand). Cytogenetic location: 1q43.
Variant type: Duplication.
Coding change: c.1324dup on transcript NM_006642.5 (MANE Select); coding-DNA position 1324, one base duplicated (C; older notation c.1324dupC).
Protein change: p.Gln442fs; shifts the reading frame from glutamine 442.
Molecular consequence: frameshift variant.
Genome position (GRCh38, 1-based): chr1:243,341,141, C duplicated; the last of 2 consecutive C bases (chr1:243,341,140-243,341,141); duplicating either gives the same sequence. VCF-style (leftmost placement, unchanged base first): chr1-243341139-G-GC. GRCh37 (hg19) VCF-style: chr1-243504441-G-GC.
Other names: c.421dup, p.Gln141fs (NM_001350251.2, NM_001350247.2, NM_001350246.2); c.1420dup, p.Gln474fs (NM_001350248.2); c.1030dup, p.Gln344fs (NM_001350249.2); c.1324dup (NM_006642.3); short protein forms Q141fs, Q344fs, Q442fs, Q474fs.
Identifiers: ClinVar variation 1189039 (VCV001189039.2), dbSNP rs747911477, ClinGen allele CA1483611.
Genomic context (GRCh38, chr1:243,341,139, plus strand): 5'-AGGTGGAAAAGGTTACAAAGGAAAAGATTTCAGCTATTAATCAACTGGAGGAAATTCAAA[G>GC]CCAGCTGGCTTCTCGGGAAATGGATGTCACAAAGGTACAGAAAGAGATTTTAGTGTAATC-3'

ClinVar aggregate classification (germline): Likely pathogenic. Review status: criteria provided, single submitter (1 of 4 stars). 2 submissions from 2 submitters: Likely pathogenic (1). 1 of the submissions does not count toward it. Last evaluated 2023-10-04.

Conditions:
Senior-Loken syndrome 7 (SLSN7). Identifiers: Orphanet 3156, MedGen C3150877, MONDO:0013326, OMIM 613615.

Submissions (2):

GeneDx
Classification: Likely pathogenic. Last evaluated: 2023-10-04. Review status: criteria provided, single submitter. Criteria: GeneDx Variant Classification Process June 2021. Collection method: clinical testing. Allele origin: germline. Affected: yes.
Comment: Frameshift variant predicted to result in protein truncation or nonsense mediated decay in a gene for which loss of function is a known mechanism of disease; This variant is associated with the following publications: (PMID: 32432520)

OMIM
Classification: Pathogenic for SENIOR-LOKEN SYNDROME 7. Last evaluated: 2021-08-03. Review status: no assertion criteria provided. Collection method: literature only. Allele origin: germline. Not counted in ClinVar's aggregate classification.

Literature cited by the submitters: PubMed 32432520 (cited by OMIM).